The following is an entry in ClinVar:

ClinVar aggregate classification (germline): Benign/Likely benign. Review status: criteria provided, multiple submitters, no conflicts (2 of 4 stars). 13 submissions from 13 submitters: Benign (7); Likely benign (3). 3 of the submissions do not count toward it. Last evaluated 2025-12-21.

Conditions:
CUL4B-related disorder. Also called: CUL4B-related condition.
Inborn genetic diseases. Identifiers: MedGen C0950123, MeSH D030342.
X-linked intellectual disability Cabezas type (MRXSC). Also called: CABEZAS SYNDROME; MENTAL RETARDATION, X-LINKED, SYNDROMIC 15; Intellectual developmental disorder, X-linked syndromic, Cabezas type. Identifiers: Orphanet 85289, Orphanet 85293, MedGen C1845861, MONDO:0010306, OMIM 300354.

Allele frequency attached by ClinVar (database versions not stated): gnomAD 0.00099 and 0.00113; ESP Exome Variant Server 0.00104; TOPMed 0.00110; gnomAD exomes 0.00133 and 0.00173; 1000 Genomes Project 30x 0.00187; ExAC 0.00210; 1000 Genomes Project 0.00212.
gnomAD v4.1: 1,580 of 1,156,497 alleles (0.14%); highest among the groups gnomAD compares: Middle Eastern, 0.77%; no homozygotes.

Submissions (13):

Labcorp Genetics (formerly Invitae), Labcorp
Classification: Benign for X-linked intellectual disability Cabezas type. Last evaluated: 2025-12-21. Review status: criteria provided, single submitter. Criteria: Invitae Variant Classification Sherloc (09022015). Collection method: clinical testing. Allele origin: germline.

ARUP Laboratories, Molecular Genetics and Genomics, ARUP Laboratories
Classification: Benign for X-linked intellectual disability Cabezas type. Last evaluated: 2025-07-17. Review status: criteria provided, single submitter. Criteria: ARUP Molecular Germline Variant Investigation Process 2024. Collection method: clinical testing. Allele origin: germline.

Blueprint Genetics
Classification: Benign. Last evaluated: 2024-11-28. Review status: criteria provided, single submitter. Criteria: ACMG Guidelines, 2015. Collection method: clinical testing. Allele origin: germline.

GeneDx
Classification: Likely benign. Last evaluated: 2021-01-06. Review status: criteria provided, single submitter. Criteria: GeneDx Variant Classification Process June 2021. Collection method: clinical testing. Allele origin: germline. Affected: yes.

Mayo Clinic Laboratories, Mayo Clinic
Classification: Benign. Last evaluated: 2018-12-26. Review status: criteria provided, single submitter. Criteria: ACMG Guidelines, 2015. Collection method: clinical testing. Allele origin: germline. Observed: 2 variant alleles.

Athena Diagnostics
Classification: Benign. Last evaluated: 2018-03-08. Review status: criteria provided, single submitter. Criteria: Athena Diagnostics Criteria. Collection method: clinical testing. Allele origin: germline.

Genetic Services Laboratory, University of Chicago
Classification: Benign. Last evaluated: 2017-07-06. Review status: criteria provided, single submitter. Criteria: ACMG Guidelines, 2015. Collection method: clinical testing. Allele origin: germline. Affected: no.

Ambry Genetics
Classification: Benign for Inborn genetic diseases. Last evaluated: 2016-07-27. Review status: criteria provided, single submitter. Criteria: Ambry Variant Classification Scheme 2023. Collection method: clinical testing. Allele origin: germline.

Eurofins Ntd Llc (ga)
Classification: Likely benign. Last evaluated: 2014-05-15. Review status: criteria provided, single submitter. Criteria: EGL Classification Definitions 2015. Collection method: clinical testing. Allele origin: germline. Observed: 1 variant allele, 1 hemizygote.

Breakthrough Genomics
Classification: Likely benign. Review status: criteria provided, single submitter. Criteria: ACMG Guidelines, 2015. Collection method: not provided. Allele origin: germline. Inheritance: X-linked inheritance. Affected: yes.

PreventionGenetics, part of Exact Sciences
Classification: Benign for CUL4B-related condition. Last evaluated: 2022-07-05. Review status: no assertion criteria provided. Collection method: clinical testing. Allele origin: germline. Not counted in ClinVar's aggregate classification.
Comment: This variant is classified as benign based on ACMG/AMP sequence variant interpretation guidelines (Richards et al. 2015 PMID: 25741868, with internal and published modifications).

Diagnostic Laboratory, Department of Genetics, University Medical Center Groningen
Classification: Likely benign for X-linked intellectual disability Cabezas type. Review status: no assertion criteria provided. Collection method: clinical testing. Allele origin: germline. Affected: yes. Study: VKGL Data-share Consensus. Not counted in ClinVar's aggregate classification.

Genome Diagnostics Laboratory, University Medical Center Utrecht
Classification: Likely benign. Review status: no assertion criteria provided. Collection method: clinical testing. Allele origin: germline. Affected: yes. Study: VKGL Data-share Consensus. Not counted in ClinVar's aggregate classification.

NM_001079872.2(CUL4B):c.1857C>T (p.Cys619=)

Gene: CUL4B (cullin 4B; minus strand). Cytogenetic location: Xq24.
Variant type: single nucleotide variant.
Coding change: c.1857C>T on transcript NM_001079872.2 (MANE Select); coding-DNA position 1857, C replaced by T.
Protein change: p.Cys619=; no amino-acid change (cysteine 619 retained).
Molecular consequence: synonymous variant.
Genome position (GRCh38, 1-based): chrX:120,538,205, G>A on the plus strand (C>T on the coding strand, the complement: CUL4B is on the minus strand). VCF-style: chrX-120538205-G-A. GRCh37 (hg19) VCF-style: chrX-119672060-G-A.
Other names: p.Cys637=; c.1872C>T, p.Cys624= (NM_001330624.2); c.1323C>T, p.Cys441= (NM_001369145.1); c.1911C>T, p.Cys637= (NM_003588.4).
Identifiers: ClinVar variation 194630 (VCV000194630.35), dbSNP rs148700620, ClinGen allele CA201270.